The following is an entry in ClinVar:

ClinVar aggregate classification (germline): Benign/Likely benign. Review status: criteria provided, multiple submitters, no conflicts (2 of 4 stars). 3 submissions from 3 submitters: Benign (1); Likely benign (2). Last evaluated 2024-11-11.

Conditions:
Papillary renal cell carcinoma type 1 (RCCP1). Also called: RENAL CELL CARCINOMA, PAPILLARY, 1, SOMATIC; Renal adenocarcinoma; Renal cell carcinoma 1; Renal cell carcinoma, somatic. Identifiers: Orphanet 47044, MedGen C1336839, OMIM 605074, HP:0011797.
Renal cell carcinoma. Identifiers: Orphanet 217071, MedGen C0007134, MeSH D002292, MONDO:0005086, HP:0005584.
Hereditary cancer-predisposing syndrome. Also called: Neoplastic Syndromes, Hereditary; Hereditary Cancer Syndrome; Tumor predisposition; Hereditary neoplastic syndrome. Identifiers: Orphanet 140162, MedGen C0027672, MeSH D009386, MONDO:0015356.

Allele frequency attached by ClinVar (database versions not stated): TOPMed 0.00001.
gnomAD v4.1: 1 of 1,613,022 alleles (0.000062%); highest among the groups gnomAD compares: Non-Finnish European, 0.000085%; no homozygotes.

Submissions (3):

Myriad Genetics, Inc.
Classification: Benign for Papillary renal cell carcinoma type 1. Last evaluated: 2024-11-11. Review status: criteria provided, single submitter. Criteria: Myriad Autosomal Dominant, Autosomal Recessive and X-Linked Classification Criteria (2023). Collection method: clinical testing. Allele origin: unknown.
Comment: This variant is considered benign. This variant is a silent/synonymous amino acid change and it is not expected to impact splicing.

Labcorp Genetics (formerly Invitae), Labcorp
Classification: Likely benign for Renal cell carcinoma. Last evaluated: 2023-06-24. Review status: criteria provided, single submitter. Criteria: Invitae Variant Classification Sherloc (09022015). Collection method: clinical testing. Allele origin: germline.

Ambry Genetics
Classification: Likely benign for Hereditary cancer-predisposing syndrome. Last evaluated: 2022-09-20. Review status: criteria provided, single submitter. Criteria: Ambry Variant Classification Scheme 2023. Collection method: clinical testing. Allele origin: germline.

NM_000245.4(MET):c.2361A>G (p.Thr787=)

Gene: MET (MET proto-oncogene, receptor tyrosine kinase; plus strand). Cytogenetic location: 7q31.2.
Variant type: single nucleotide variant.
Coding change: c.2361A>G on transcript NM_000245.4 (MANE Select); coding-DNA position 2361, A replaced by G.
Protein change: p.Thr787=; no amino-acid change (threonine 787 retained).
Molecular consequence: synonymous variant.
Genome position (GRCh38, 1-based): chr7:116,759,487, A>G. VCF-style: chr7-116759487-A-G. GRCh37 (hg19) VCF-style: chr7-116399541-A-G.
Other names: c.2415A>G, p.Thr805= (NM_001127500.3); c.2361A>G, p.Thr787= (NM_001324401.3); c.1071A>G, p.Thr357= (NM_001324402.2).
Identifiers: ClinVar variation 744070 (VCV000744070.14), dbSNP rs1027607387, ClinGen allele CA164895061.